The following is an entry in ClinVar:

NM_181426.2(CCDC39):c.2762C>T (p.Pro921Leu)

Genes: CCDC39 (coiled-coil domain 39 molecular ruler complex subunit; minus strand), TTC14 (tetratricopeptide repeat domain 14; plus strand). Cytogenetic location: 3q26.33.
Variant type: single nucleotide variant.
Coding change: c.2762C>T on transcript NM_181426.2 (MANE Select); coding-DNA position 2762, C replaced by T.
Protein change: p.Pro921Leu; replaces proline 921 with leucine.
Molecular consequence: missense variant. On other transcripts: intron variant (1).
Genome position (GRCh38, 1-based): chr3:180,614,985, G>A on the plus strand (C>T on the coding strand, the complement: CCDC39 is on the minus strand). VCF-style: chr3-180614985-G-A. GRCh37 (hg19) VCF-style: chr3-180332773-G-A.
Other names: c.1775-2395G>A (NM_001288582.2); short protein forms P921L.
Identifiers: ClinVar variation 1403642 (VCV001403642.6), dbSNP rs745692945, ClinGen allele CA2715594.
Genomic context (GRCh38, chr3:180,614,985, plus strand): 5'-TTGCTGCTCTTTTTGCTCTTAACATTACTAGAGCTACTACTAGCACTAGATGGCCTAGAA[G>A]GGCTGCCTACTAGTGAAGAGGAGGCCGGGAATTTAAGCTCCAGTACTTTAATTGAAGACT-3'
Protein context (NP_852091.1, residues 911-931): FPASSSLVGS[Pro921Leu]SRPSSASSSS

ClinVar aggregate classification (germline): Uncertain significance. Review status: criteria provided, multiple submitters, no conflicts (2 of 4 stars). 2 submissions from 2 submitters: Uncertain significance (2). Last evaluated 2022-12-12.

Conditions:
Primary ciliary dyskinesia. Also called: Ciliary dyskinesia. Identifiers: Orphanet 244, MedGen C0008780, MONDO:0016575, HP:0012265.

Allele frequency attached by ClinVar (database versions not stated): TOPMed below 0.00001; gnomAD exomes 0.00004 and below 0.00001; ExAC 0.00011.
gnomAD v4.1: 10 of 1,565,784 alleles (0.00064%); highest among the groups gnomAD compares: East Asian, 0.0047%; no homozygotes.

Submissions (2):

Ambry Genetics
Classification: Uncertain significance for Primary ciliary dyskinesia. Last evaluated: 2022-12-12. Review status: criteria provided, single submitter. Criteria: Ambry Variant Classification Scheme 2023. Collection method: clinical testing. Allele origin: germline.

Labcorp Genetics (formerly Invitae), Labcorp
Classification: Uncertain significance for Primary ciliary dyskinesia. Last evaluated: 2021-10-10. Review status: criteria provided, single submitter. Criteria: Invitae Variant Classification Sherloc (09022015). Collection method: clinical testing. Allele origin: germline.
Comment: This sequence change replaces proline with leucine at codon 921 of the CCDC39 protein (p.Pro921Leu). The proline residue is weakly conserved and there is a moderate physicochemical difference between proline and leucine. This variant is present in population databases (rs745692945, ExAC 0.2%). This variant has not been reported in the literature in individuals affected with CCDC39-related conditions. Algorithms developed to predict the effect of missense changes on protein structure and function are either unavailable or do not agree on the potential impact of this missense change (SIFT: "Tolerated"; PolyPhen-2: "Not Available"; Align-GVGD: "Class C0"). In summary, the available evidence is currently insufficient to determine the role of this variant in disease. Therefore, it has been classified as a Variant of Uncertain Significance.